The following is an entry in ClinVar:

ClinVar aggregate classification (germline): Uncertain significance (1 of 4 stars; one submission).

Conditions:
Hereditary insensitivity to pain with anhidrosis (CIPA). Also called: NEUROPATHY, CONGENITAL SENSORY, WITH ANHIDROSIS; INSENSITIVITY TO PAIN, CONGENITAL, WITH ANHIDROSIS; FAMILIAL DYSAUTONOMIA, TYPE II; NTRK1 Congenital Insensitivity to Pain with Anhidrosis; hereditary sensory and autonomic neuropathy type 4; HSAN Type IV. Identifiers: Orphanet 642, MedGen C0020074, MONDO:0009746, OMIM 256800.

Submission:

Myriad Genetics, Inc.
Classification: Uncertain significance for Hereditary insensitivity to pain with anhidrosis. Last evaluated: 2026-07-14. Review status: criteria provided, single submitter. Criteria: Myriad Autosomal Dominant, Autosomal Recessive and X-Linked Classification Criteria (2023). Collection method: clinical testing. Allele origin: unknown.
Comment: NM_002529.3(NTRK1):c.360-4G>T is an intronic variant classified as a variant of uncertain significance in the context of congenital insensitivity to pain with anhidrosis, NTRK1-related. c.360-4G>T has not been observed in cases with relevant disease. Relevant functional assessments of this variant are not available in the literature. c.360-4G>T has not been observed in referenced population frequency databases. In summary, there is insufficient evidence to classify NM_002529.3(NTRK1):c.360-4G>T as pathogenic or benign. Please note: this variant was assessed in the context of healthy population screening.

NM_002529.4(NTRK1):c.360-4G>T

Gene: NTRK1 (neurotrophic receptor tyrosine kinase 1; plus strand). Cytogenetic location: 1q23.1.
Variant type: single nucleotide variant.
Coding change: c.360-4G>T on transcript NM_002529.4 (MANE Select); 4 bases into the intron before coding-DNA position 360, G replaced by T.
Molecular consequence: intron variant.
Genome position (GRCh38, 1-based): chr1:156,866,906, G>T. VCF-style: chr1-156866906-G-T. GRCh37 (hg19) VCF-style: chr1-156836698-G-T.
Other names: c.270-4G>T (NM_001007792.1); c.360-4G>T (NM_001012331.2).
Identifiers: ClinVar variation 5003644 (VCV005003644.1).